The following is an entry in ClinVar:

NM_020366.4(RPGRIP1):c.1439C>G (p.Ala480Gly)

Gene: RPGRIP1 (RPGR interacting protein 1; plus strand). Cytogenetic location: 14q11.2.
Variant type: single nucleotide variant.
Coding change: c.1439C>G on transcript NM_020366.4 (MANE Select); coding-DNA position 1439, C replaced by G.
Protein change: p.Ala480Gly; replaces alanine 480 with glycine.
Molecular consequence: missense variant. On other transcripts: 5 prime UTR variant (1).
Genome position (GRCh38, 1-based): chr14:21,320,149, C>G. VCF-style: chr14-21320149-C-G. GRCh37 (hg19) VCF-style: chr14-21788308-C-G.
Other names: c.365C>G, p.Ala122Gly (NM_001377523.1, NM_001377948.1, NM_001377949.1 and 1 more transcripts); c.-134C>G (NM_001377951.1); short protein forms A122G, A480G.
Identifiers: ClinVar variation 1416756 (VCV001416756.7), dbSNP rs1882241075, ClinGen allele CA388864867.
Genomic context (GRCh38, chr14:21,320,149, plus strand): 5'-AAAATGCAGCCACAATTTCCCAACCTCCTGACAGGCAATCTGAACCAGCCACTCACCCAG[C>G]TGTATTGCAAGAGAACACTCAGATCGAGGTAAGAGCCTCTTTAAACAAACTAGTCCACTC-3'
Protein context (NP_065099.3, residues 470-490): DRQSEPATHP[Ala480Gly]VLQENTQIEP

ClinVar aggregate classification (germline): Uncertain significance. Review status: criteria provided, multiple submitters, no conflicts (2 of 4 stars). 2 submissions from 2 submitters: Uncertain significance (2). Last evaluated 2022-08-16.

Conditions:
Cone-rod dystrophy 13 (CORD13). Identifiers: Orphanet 1872, MedGen C2750720, MONDO:0011987, OMIM 608194.
Leber congenital amaurosis 6 (LCA6). Identifiers: Orphanet 65, MedGen C1854260, MONDO:0013446, OMIM 613826.

Allele frequency attached by ClinVar (database versions not stated): gnomAD exomes below 0.00001; TOPMed below 0.00001; gnomAD 0.00001.
gnomAD v4.1: 3 of 1,613,834 alleles (0.00019%); highest among the groups gnomAD compares: Admixed American, 0.0017%; no homozygotes.

Submissions (2):

Labcorp Genetics (formerly Invitae), Labcorp
Classification: Uncertain significance for Leber congenital amaurosis 6; Cone-rod dystrophy 13. Last evaluated: 2022-08-16. Review status: criteria provided, single submitter. Criteria: Invitae Variant Classification Sherloc (09022015). Collection method: clinical testing. Allele origin: germline.
Comment: In summary, the available evidence is currently insufficient to determine the role of this variant in disease. Therefore, it has been classified as a Variant of Uncertain Significance. Algorithms developed to predict the effect of sequence changes on RNA splicing suggest that this variant may create or strengthen a splice site. Algorithms developed to predict the effect of missense changes on protein structure and function (SIFT, PolyPhen-2, Align-GVGD) all suggest that this variant is likely to be tolerated. ClinVar contains an entry for this variant (Variation ID: 1416756). This variant has not been reported in the literature in individuals affected with RPGRIP1-related conditions. This variant is not present in population databases (gnomAD no frequency). This sequence change replaces alanine, which is neutral and non-polar, with glycine, which is neutral and non-polar, at codon 480 of the RPGRIP1 protein (p.Ala480Gly).

Blueprint Genetics
Classification: Uncertain significance. Last evaluated: 2019-12-13. Review status: criteria provided, single submitter. Criteria: ACMG Guidelines, 2015. Collection method: clinical testing. Allele origin: germline.